The following is an entry in ClinVar:

NM_007294.4(BRCA1):c.3642_3643dup (p.Asn1215fs)

Genes: BRCA1 (BRCA1 DNA repair associated; minus strand), LOC126862571 (BRD4-independent group 4 enhancer GRCh37_chr17:41243136-41244335; plus strand). Cytogenetic location: 17q21.31.
Variant type: Microsatellite.
Coding change: c.3642_3643dup on transcript NM_007294.4 (MANE Select); coding-DNA positions 3642 to 3643, 2 bases duplicated (GA; older notation c.3642_3643dupGA).
Protein change: p.Asn1215fs; shifts the reading frame from asparagine 1215.
Molecular consequence: frameshift variant. On other transcripts: intron variant (135).
Genome position (GRCh38, 1-based): chr17:43,091,888-43,091,889, TC duplicated on the plus strand (GA on the coding strand, the reverse complement: BRCA1 is on the minus strand); duplicating any 2 consecutive bases within chr17:43,091,888-43,091,892 gives the same sequence; the c. name uses the placement nearest the transcript's 3' end. VCF-style (leftmost placement, unchanged base first): chr17-43091887-T-TTC. GRCh37 (hg19) VCF-style: chr17-41243904-T-TTC.
Other names: c.3642_3643dup (NM_007294.3); c.3639_3640dup, p.Asn1214fs (NM_001407860.1, NM_001407861.1, NM_001407587.1 and 22 more transcripts); c.3441_3442dup, p.Asn1148fs (NM_001407862.1); c.3519_3520dup, p.Asn1174fs (NM_001407863.1, NM_001407919.1, NM_001407937.1 and 19 more transcripts); c.3438_3439dup, p.Asn1147fs (NM_001407874.1, NM_001407875.1); c.3432_3433dup, p.Asn1145fs (NM_001407879.1, NM_001407881.1, NM_001407882.1 and 13 more transcripts); c.3429_3430dup, p.Asn1144fs (NM_001407894.1, NM_001407895.1, NM_001407896.1 and 9 more transcripts); c.3378_3379dup, p.Asn1127fs (NM_001407920.1, NM_001407921.1, NM_001407922.1 and 9 more transcripts); and 42 more; short protein forms N1215fs, N1168fs, N1103fs, N1104fs, N1147fs, N1188fs, N347fs, N1087fs.
Identifiers: ClinVar variation 801072 (VCV000801072.3), dbSNP rs80357805, ClinGen allele CA915950122.

ClinVar aggregate classification (germline): Pathogenic (1 of 4 stars; one submission).

Submission:

Quest Diagnostics Nichols Institute San Juan Capistrano
Classification: Pathogenic. Last evaluated: 2018-12-21. Review status: criteria provided, single submitter. Criteria: Quest Diagnostics criteria. Collection method: clinical testing. Allele origin: germline.
Comment: The variant results in a shift of the reading frame, and is therefore predicted to result in the loss of a functional protein. Found in at least one symptomatic patient, and not found in general population data.